The following is an entry in ClinVar:

NM_000143.4(FH):c.1391-2A>T

Gene: FH (fumarate hydratase; minus strand). Cytogenetic location: 1q43.
Variant type: single nucleotide variant.
Coding change: c.1391-2A>T on transcript NM_000143.4 (MANE Select); the canonical splice acceptor site of the intron before coding-DNA position 1391, A replaced by T.
Molecular consequence: splice acceptor variant.
Genome position (GRCh38, 1-based): chr1:241,497,972, T>A on the plus strand (A>T on the coding strand, the complement: FH is on the minus strand). VCF-style: chr1-241497972-T-A. GRCh37 (hg19) VCF-style: chr1-241661272-T-A.
Identifiers: ClinVar variation 214423 (VCV000214423.11), dbSNP rs863224008, ClinGen allele CA323468.

ClinVar aggregate classification (germline): Pathogenic/Likely pathogenic. Review status: criteria provided, multiple submitters, no conflicts (2 of 4 stars). 4 submissions from 4 submitters: Pathogenic (3); Likely pathogenic (1). Last evaluated 2023-12-28.

Conditions:
Hereditary cancer-predisposing syndrome. Also called: Tumor predisposition; Hereditary Cancer Syndrome; Neoplastic Syndromes, Hereditary; Hereditary neoplastic syndrome. Identifiers: Orphanet 140162, MedGen C0027672, MeSH D009386, MONDO:0015356.
Fumarase deficiency (FMRD). Also called: Fumaric aciduria; Fumarate Hydratase Deficiency. Identifiers: Orphanet 24, MedGen C0342770, MONDO:0011730, OMIM 606812.

Submissions (4):

Baylor Genetics
Classification: Likely pathogenic for Fumarase deficiency. Last evaluated: 2023-12-28. Review status: criteria provided, single submitter. Criteria: ACMG Guidelines, 2015. Collection method: clinical testing. Allele origin: unknown.

Labcorp Genetics (formerly Invitae), Labcorp
Classification: Pathogenic. Last evaluated: 2021-11-08. Review status: criteria provided, single submitter. Criteria: Invitae Variant Classification Sherloc (09022015). Collection method: clinical testing. Allele origin: germline.
Comment: Disruption of this splice site has been observed in individuals with clinical features of hereditary leiomyomatosis and renal cell cancer (PMID: 28266706, 28300276; Invitae). For these reasons, this variant has been classified as Pathogenic. Variants that disrupt the consensus splice site are a relatively common cause of aberrant splicing (PMID: 17576681, 9536098). Algorithms developed to predict the effect of sequence changes on RNA splicing suggest that this variant may disrupt the consensus splice site. ClinVar contains an entry for this variant (Variation ID: 214423). This variant is not present in population databases (gnomAD no frequency). This sequence change affects an acceptor splice site in intron 9 of the FH gene. While this variant is not anticipated to result in nonsense mediated decay, it likely alters RNA splicing and results in a disrupted protein product.

Ambry Genetics
Classification: Pathogenic for Hereditary cancer-predisposing syndrome. Last evaluated: 2018-03-21. Review status: criteria provided, single submitter. Criteria: Ambry General Variant Classification Scheme_2022. Collection method: clinical testing. Allele origin: germline. Observed: 1 variant allele.
Comment: The c.1391-2A>T intronic variant results from an A to T substitution two nucleotides upstream from coding exon 10 in the FH gene. This nucleotide position is highly conserved in available vertebrate species. Using the BDGP and ESEfinder splice site prediction tools, this alteration is predicted to abolish and significantly weaken the native splice acceptor site; however, direct evidence is unavailable. This alteration, as well as a close match alteration - FH c.1391-2A>T- have been observed in individuals who have a personal and/or family history that is consistent with FH-associated disease (Ambry internal data; Muller M et al. Clin. Genet., 2017 Dec;92:606-615). Alterations that disrupt the canonical splice site are expected to cause aberrant splicing, resulting in an abnormal protein or a transcript that is subject to nonsense-mediated mRNA decay. Based on the majority of available evidence, this alteration is classified as a disease-causing mutation.

GeneDx
Classification: Pathogenic. Last evaluated: 2014-07-30. Review status: criteria provided, single submitter. Criteria: GeneDx Variant Classification (06012015). Collection method: clinical testing. Allele origin: germline. Affected: yes.
Comment: IVS9-2 A>T; c.1391-2 A>T. The c.1391-2 A>T splice site mutation in the FH gene destroys the canonical splice acceptor site in intron 9. It is predicted to cause abnormal gene splicing, either leading to an abnormal message that is subject to nonsense-mediated mRNA decay, or to an abnormal protein product if the message is used for protein translation. The c.1391-2 A>T mutation was not observed in approximately 6,500 individuals of European and African American ancestry in the NHLBI Exome Sequencing Project, indicating it is not a common benign variant in these populations. Although this mutation has not been previously reported to our knowledge, its presence is consistent with a diagnosis of hereditary leiomyomatosis and renal cell cancer. The variant is found in FH panel(s).

Literature cited by the submitters: PubMed 28266706 (cited by Labcorp Genetics (formerly Invitae), Labcorp); PubMed 28300276 (cited by Labcorp Genetics (formerly Invitae), Labcorp and Ambry Genetics); PubMed 17576681 (cited by Labcorp Genetics (formerly Invitae), Labcorp); PubMed 9536098 (cited by Labcorp Genetics (formerly Invitae), Labcorp).